The following is an entry in ClinVar:

ClinVar aggregate classification (germline): Uncertain significance. Review status: criteria provided, multiple submitters, no conflicts (2 of 4 stars). 3 submissions from 3 submitters: Uncertain significance (3). Last evaluated 2022-06-23.

Conditions:
Autosomal systemic lupus erythematosus type 16. Also called: Systemic lupus erythematosus 16. Identifiers: Orphanet 300345, MedGen C3280742, MONDO:0013743, OMIM 614420.
Inborn genetic diseases. Identifiers: MedGen C0950123, MeSH D030342.

gnomAD v4.1: 18 of 1,614,044 alleles (0.0011%); highest among the groups gnomAD compares: Admixed American, 0.03%; no homozygotes.

Submissions (3):

Labcorp Genetics (formerly Invitae), Labcorp
Classification: Uncertain significance. Last evaluated: 2022-06-23. Review status: criteria provided, single submitter. Criteria: Invitae Variant Classification Sherloc (09022015). Collection method: clinical testing. Allele origin: germline.
Comment: This sequence change replaces proline, which is neutral and non-polar, with threonine, which is neutral and polar, at codon 142 of the DNASE1L3 protein (p.Pro142Thr). This variant is present in population databases (rs563166164, gnomAD 0.03%). This variant has not been reported in the literature in individuals affected with DNASE1L3-related conditions. Algorithms developed to predict the effect of missense changes on protein structure and function are either unavailable or do not agree on the potential impact of this missense change (SIFT: "Deleterious"; PolyPhen-2: "Possibly Damaging"; Align-GVGD: "Class C0"). In summary, the available evidence is currently insufficient to determine the role of this variant in disease. Therefore, it has been classified as a Variant of Uncertain Significance.

Fulgent Genetics
Classification: Uncertain significance for Autosomal systemic lupus erythematosus type 16. Last evaluated: 2021-07-23. Review status: criteria provided, single submitter. Criteria: ACMG Guidelines, 2015. Collection method: clinical testing. Allele origin: unknown.

Ambry Genetics
Classification: Uncertain significance for Inborn genetic diseases. Last evaluated: 2021-06-18. Review status: criteria provided, single submitter. Criteria: Ambry Variant Classification Scheme 2023. Collection method: clinical testing. Allele origin: germline.

NM_004944.4(DNASE1L3):c.424C>A (p.Pro142Thr)

Gene: DNASE1L3 (deoxyribonuclease 1L3; minus strand). Cytogenetic location: 3p14.3.
Variant type: single nucleotide variant.
Coding change: c.424C>A on transcript NM_004944.4 (MANE Select); coding-DNA position 424, C replaced by A.
Protein change: p.Pro142Thr; replaces proline 142 with threonine.
Molecular consequence: missense variant.
Genome position (GRCh38, 1-based): chr3:58,204,778, G>T on the plus strand (C>A on the coding strand, the complement: DNASE1L3 is on the minus strand). VCF-style: chr3-58204778-G-T. GRCh37 (hg19) VCF-style: chr3-58190505-G-T.
Other names: c.334C>A, p.Pro112Thr (NM_001256560.2); c.424C>A (NM_004944.2); short protein forms P142T, P112T.
Identifiers: ClinVar variation 1516337 (VCV001516337.7), dbSNP rs563166164, ClinGen allele CA2470019.